The following is an entry in ClinVar:

NM_000330.4(RS1):c.416A>C (p.Gln139Pro)

Genes: CDKL5 (cyclin dependent kinase like 5; plus strand), RS1 (retinoschisin 1; minus strand). Cytogenetic location: Xp22.13.
Variant type: single nucleotide variant.
Coding change: c.416A>C on transcript NM_000330.4 (MANE Select); coding-DNA position 416, A replaced by C.
Protein change: p.Gln139Pro; replaces glutamine 139 with proline.
Molecular consequence: missense variant. On other transcripts: intron variant (2).
Genome position (GRCh38, 1-based): chrX:18,644,536, T>G on the plus strand (A>C on the coding strand, the complement: RS1 is on the minus strand). VCF-style: chrX-18644536-T-G. GRCh37 (hg19) VCF-style: chrX-18662656-T-G.
Other names: c.2714-1471T>G (NM_003159.3, NM_001037343.2); short protein forms Q139P.
Identifiers: ClinVar variation 4800929 (VCV004800929.1).

ClinVar aggregate classification (germline): Uncertain significance (1 of 4 stars; one submission).

Submission:

Labcorp Genetics (formerly Invitae), Labcorp
Classification: Uncertain significance. Last evaluated: 2025-09-30. Review status: criteria provided, single submitter. Criteria: Invitae Variant Classification Sherloc (09022015). Collection method: clinical testing. Allele origin: germline.
Comment: This sequence change replaces glutamine, which is neutral and polar, with proline, which is neutral and non-polar, at codon 139 of the RS1 protein (p.Gln139Pro). This variant is not present in population databases (gnomAD no frequency). This variant has not been reported in the literature in individuals affected with RS1-related conditions. Invitae Evidence Modeling of protein sequence and biophysical properties (such as structural, functional, and spatial information, amino acid conservation, physicochemical variation, residue mobility, and thermodynamic stability) indicates that this missense variant is expected to disrupt RS1 protein function with a positive predictive value of 95%. In summary, the available evidence is currently insufficient to determine the role of this variant in disease. Therefore, it has been classified as a Variant of Uncertain Significance.